The following is an entry in ClinVar:

ClinVar aggregate classification (germline): Uncertain significance (1 of 4 stars; one submission).

Conditions:
Multiple congenital anomalies-hypotonia-seizures syndrome 1 (MCAHS1). Also called: PIGN-CDG; Congenital disorder of glycosylation due to PIGN deficiency; GLYCOSYLPHOSPHATIDYLINOSITOL BIOSYNTHESIS DEFECT 3. Identifiers: Orphanet 280633, MedGen C3279775, MONDO:0013563, OMIM 614080.

Allele frequency attached by ClinVar (database versions not stated): gnomAD exomes below 0.00001 and 0.00001.
gnomAD v4.1: 2 of 1,605,412 alleles (0.00012%); highest among the groups gnomAD compares: Non-Finnish European, 0.00017%; no homozygotes.

Submission:

Labcorp Genetics (formerly Invitae), Labcorp
Classification: Uncertain significance for Multiple congenital anomalies-hypotonia-seizures syndrome 1. Last evaluated: 2022-09-19. Review status: criteria provided, single submitter. Criteria: Invitae Variant Classification Sherloc (09022015). Collection method: clinical testing. Allele origin: germline.
Comment: In summary, the available evidence is currently insufficient to determine the role of this variant in disease. Therefore, it has been classified as a Variant of Uncertain Significance. Algorithms developed to predict the effect of sequence changes on RNA splicing suggest that this variant may disrupt the consensus splice site. Algorithms developed to predict the effect of missense changes on protein structure and function are either unavailable or do not agree on the potential impact of this missense change (SIFT: "Deleterious"; PolyPhen-2: "Benign"; Align-GVGD: "Class C0"). ClinVar contains an entry for this variant (Variation ID: 1007807). This variant has not been reported in the literature in individuals affected with PIGN-related conditions. The frequency data for this variant in the population databases is considered unreliable, as metrics indicate poor data quality at this position in the gnomAD database. This sequence change replaces serine, which is neutral and polar, with glycine, which is neutral and non-polar, at codon 891 of the PIGN protein (p.Ser891Gly).

NM_176787.5(PIGN):c.2671A>G (p.Ser891Gly)

Gene: PIGN (phosphatidylinositol glycan anchor biosynthesis class N; minus strand). Cytogenetic location: 18q21.33.
Variant type: single nucleotide variant.
Coding change: c.2671A>G on transcript NM_176787.5 (MANE Select); coding-DNA position 2671, A replaced by G.
Protein change: p.Ser891Gly; replaces serine 891 with glycine.
Molecular consequence: missense variant.
Genome position (GRCh38, 1-based): chr18:62,072,674, T>C on the plus strand (A>G on the coding strand, the complement: PIGN is on the minus strand). VCF-style: chr18-62072674-T-C. GRCh37 (hg19) VCF-style: chr18-59739907-T-C.
Other names: c.2671A>G, p.Ser891Gly (NM_012327.6); short protein forms S891G.
Identifiers: ClinVar variation 1007807 (VCV001007807.10), dbSNP rs1275624636, ClinGen allele CA402723416.
Genomic context (GRCh38, chr18:62,072,674, plus strand): 5'-AATATATTTCTCAGAACTTATCCCTGTTGTTAAGCAATGCATGACCATATATACTATACC[T>C]TGTCCCAATATCAAGCCAGCTGCCATAATCCTTGACCAAGAAGAAAAAATGCTGTAAAAA-3'
Protein context (NP_789744.1, residues 881-901): DYGSWLDIGT[Ser891Gly]ISHYVIVMSM